The following is an entry in ClinVar:

ClinVar aggregate classification (germline): Uncertain significance (1 of 4 stars; one submission).

Conditions:
Inborn genetic diseases. Identifiers: MedGen C0950123, MeSH D030342.

Submission:

Ambry Genetics
Classification: Uncertain significance for Inborn genetic diseases. Last evaluated: 2025-03-12. Review status: criteria provided, single submitter. Criteria: Ambry Variant Classification Scheme 2023. Collection method: clinical testing. Allele origin: germline.
Comment: The p.S412F variant (also known as c.1235C>T), located in coding exon 12 of the ASXL1 gene, results from a C to T substitution at nucleotide position 1235. The serine at codon 412 is replaced by phenylalanine, an amino acid with highly dissimilar properties. This amino acid position is conserved. In addition, this alteration is predicted to be tolerated by in silico analysis. Based on the available evidence, the clinical significance of this variant remains unclear.

NM_015338.6(ASXL1):c.1235C>T (p.Ser412Phe)

Gene: ASXL1 (ASXL transcriptional regulator 1; plus strand). Cytogenetic location: 20q11.21.
Variant type: single nucleotide variant.
Coding change: c.1235C>T on transcript NM_015338.6 (MANE Select); coding-DNA position 1235, C replaced by T.
Protein change: p.Ser412Phe; replaces serine 412 with phenylalanine.
Molecular consequence: missense variant.
Genome position (GRCh38, 1-based): chr20:32,433,433, C>T. VCF-style: chr20-32433433-C-T. GRCh37 (hg19) VCF-style: chr20-31021236-C-T.
Other names: c.1052C>T, p.Ser351Phe (NM_001363734.1); short protein forms S412F, S351F.
Identifiers: ClinVar variation 3794348 (VCV003794348.1).